The following is an entry in ClinVar:

ClinVar aggregate classification (germline): Likely benign (1 of 4 stars; one submission).

Submission:

CeGaT Center for Human Genetics Tuebingen
Classification: Likely benign. Last evaluated: 2026-06-01. Review status: criteria provided, single submitter. Criteria: CeGaT Center For Human Genetics Tuebingen Variant Classification Criteria Version 2. Collection method: clinical testing. Allele origin: germline. Affected: yes. Observed: 1 variant allele.
Comment: ANGPTL3: PM2:Supporting, BP4, BP7

NM_014495.4(ANGPTL3):c.225C>T (p.Leu75=)

Genes: ANGPTL3 (angiopoietin like 3; plus strand), DOCK7 (dedicator of cytokinesis 7; minus strand). Cytogenetic location: 1p31.3.
Variant type: single nucleotide variant.
Coding change: c.225C>T on transcript NM_014495.4 (MANE Select); coding-DNA position 225, C replaced by T.
Protein change: p.Leu75=; no amino-acid change (leucine 75 retained).
Molecular consequence: synonymous variant. On other transcripts: intron variant (7).
Genome position (GRCh38, 1-based): chr1:62,597,791, C>T. VCF-style: chr1-62597791-C-T. GRCh37 (hg19) VCF-style: chr1-63063462-C-T.
Other names: c.1683-11167G>A (NM_001272001.2, NM_001272000.2, NM_033407.4 and 4 more transcripts).
Identifiers: ClinVar variation 4875334 (VCV004875334.2).